The following is an entry in ClinVar:

ClinVar aggregate classification (germline): Pathogenic (1 of 4 stars; one submission).

Conditions:
Cerebral cavernous malformation 2. Also called: Familial Cerebral Cavernous Malformation 2. Identifiers: Orphanet 221061, MedGen C1864041, MONDO:0011304, OMIM 603284.

Submission:

Labcorp Genetics (formerly Invitae), Labcorp
Classification: Pathogenic for Cerebral cavernous malformation 2. Last evaluated: 2020-10-27. Review status: criteria provided, single submitter. Criteria: Invitae Variant Classification Sherloc (09022015). Collection method: clinical testing. Allele origin: germline.
Comment: This variant is a gross deletion of the genomic region encompassing exons 2-10 of the CCM2 gene, which encodes ~98% of the total protein. The boundaries of this event are unknown, as the deletion extends beyond the assayed region for this gene and therefore may include exon 1 of the CCM2 gene (resulting in complete gene deletion) and/or encompass additional genes. Loss-of-function variants in CCM2 are known to be pathogenic. A deletion of exons 2-10 that is mediated by Alu repeat sequences in intron 1 and the intragenic region downstream of exon 10 has been reported in several individuals with cerebral cavernous malformations (PMID: 17160895). For these reasons, this variant has been classified as Pathogenic.

Literature cited by the submitters: PubMed 17160895.

NC_000007.13:g.(?_45067284)_(45115676_?)del

Gene: CCM2 (CCM2 scaffold protein; plus strand). Cytogenetic location: 7p13.
Variant type: Deletion.
Identifiers: ClinVar variation 1076241 (VCV001076241.1).